The following is an entry in ClinVar:

ClinVar aggregate classification (germline): Likely benign. Review status: criteria provided, multiple submitters, no conflicts (2 of 4 stars). 4 submissions from 4 submitters: Likely benign (4). Last evaluated 2026-01-06.

Conditions:
Hereditary cancer-predisposing syndrome. Also called: Hereditary neoplastic syndrome; Neoplastic Syndromes, Hereditary; Tumor predisposition; Hereditary Cancer Syndrome. Identifiers: Orphanet 140162, MedGen C0027672, MeSH D009386, MONDO:0015356.
Hereditary breast ovarian cancer syndrome. Also called: Hereditary breast and ovarian cancer syndrome (HBOC); Breast and ovarian cancer; Hereditary breast and ovarian cancer syndrome; Hereditary breast and ovarian cancer; Hereditary breast and/or ovarian cancer syndrome; BRCA1- and BRCA2-Associated Hereditary Breast and Ovarian Cancer. Identifiers: Orphanet 145, MedGen C0677776, MeSH D061325, MONDO:0003582. Disease mechanism: loss of function.
Breast-ovarian cancer, familial, susceptibility to, 2 (BROVCA2). Also called: BRCA2 Hereditary Breast and Ovarian Cancer. Identifiers: Orphanet 145, MedGen C2675520, MONDO:0012933, OMIM 612555. Disease mechanism: loss of function.

Allele frequency attached by ClinVar (database versions not stated): gnomAD exomes 0.00001 and below 0.00001; TOPMed below 0.00001; gnomAD 0.00001.
gnomAD v4.1: 6 of 1,614,100 alleles (0.00037%); highest among the groups gnomAD compares: Non-Finnish European, 0.00051%; no homozygotes.

Submissions (4):

Labcorp Genetics (formerly Invitae), Labcorp
Classification: Likely benign for Hereditary breast ovarian cancer syndrome. Last evaluated: 2026-01-06. Review status: criteria provided, single submitter. Criteria: Invitae Variant Classification Sherloc (09022015). Collection method: clinical testing. Allele origin: germline.

All of Us Research Program, National Institutes of Health
Classification: Likely benign for Breast-ovarian cancer, familial, susceptibility to, 2. Last evaluated: 2024-01-11. Review status: criteria provided, single submitter. Criteria: ACMG Guidelines, 2015. Collection method: clinical testing. Allele origin: germline. Inheritance: Autosomal dominant inheritance. Observed: 3 variant alleles, 3 heterozygotes.
Comment: This study involves interpretation of variants in research participants for the purpose of population health screening. Participant phenotype was not available at the time of variant classification. Additional details can be found in publication PMID: 35346344, PMCID: PMC8962531

Color Diagnostics, LLC DBA Color Health
Classification: Likely benign for Hereditary cancer-predisposing syndrome. Last evaluated: 2017-10-20. Review status: criteria provided, single submitter. Criteria: ACMG Guidelines, 2015. Collection method: clinical testing. Allele origin: germline.

Ambry Genetics
Classification: Likely benign for Hereditary cancer-predisposing syndrome. Last evaluated: 2016-01-18. Review status: criteria provided, single submitter. Criteria: Ambry Variant Classification Scheme 2023. Collection method: clinical testing. Allele origin: germline.

NM_000059.4(BRCA2):c.7941A>G (p.Leu2647=)

Gene: BRCA2 (BRCA2 DNA repair associated; plus strand). Cytogenetic location: 13q13.1.
Variant type: single nucleotide variant.
Coding change: c.7941A>G on transcript NM_000059.4 (MANE Select); coding-DNA position 7941, A replaced by G.
Protein change: p.Leu2647=; no amino-acid change (leucine 2647 retained).
Molecular consequence: synonymous variant.
Genome position (GRCh38, 1-based): chr13:32,362,658, A>G. VCF-style: chr13-32362658-A-G. GRCh37 (hg19) VCF-style: chr13-32936795-A-G.
Identifiers: ClinVar variation 480966 (VCV000480966.19), dbSNP rs276174898, ClinGen allele CA247475268.
Genomic context (GRCh38, chr13:32,362,658, plus strand): 5'-CATATGGAAACTGGCAGCTATGGAATGTGCCTTTCCTAAGGAATTTGCTAATAGATGCCT[A>G]AGCCCAGAAAGGGTGCTTCTTCAACTAAAATACAGGCAAGTTTAAAGCATTACATTACGT-3'
Protein context (NP_000050.3, residues 2637-2657): AFPKEFANRC[Leu2647=]SPERVLLQLK